The following is an entry in ClinVar:

ClinVar aggregate classification (germline): Uncertain significance. Review status: criteria provided, multiple submitters, no conflicts (2 of 4 stars). 3 submissions from 3 submitters: Uncertain significance (3). Last evaluated 2025-08-14.

Conditions:
Aicardi-Goutieres syndrome 3. Identifiers: Orphanet 51, MedGen C1835916, MONDO:0012471, OMIM 610329.

Allele frequency attached by ClinVar (database versions not stated): ExAC 0.00007; gnomAD exomes 0.00008 and 0.00019; gnomAD 0.00011 and 0.00012; TOPMed 0.00012.

Submissions (3):

Labcorp Genetics (formerly Invitae), Labcorp
Classification: Uncertain significance for Aicardi-Goutieres syndrome 3. Last evaluated: 2025-08-14. Review status: criteria provided, single submitter. Criteria: Invitae Variant Classification Sherloc (09022015). Collection method: clinical testing. Allele origin: germline.
Comment: This sequence change replaces lysine, which is basic and polar, with glutamic acid, which is acidic and polar, at codon 90 of the RNASEH2C protein (p.Lys90Glu). This variant is present in population databases (rs200659526, gnomAD 0.02%). This variant has not been reported in the literature in individuals affected with RNASEH2C-related conditions. ClinVar contains an entry for this variant (Variation ID: 305364). An algorithm developed to predict the effect of missense changes on protein structure and function outputs the following: PolyPhen-2: "Benign". The glutamic acid amino acid residue is found in multiple mammalian species, which suggests that this missense change does not adversely affect protein function. In summary, the available evidence is currently insufficient to determine the role of this variant in disease. Therefore, it has been classified as a Variant of Uncertain Significance.

Illumina Laboratory Services, Illumina
Classification: Uncertain significance for Aicardi-Goutieres syndrome 3. Last evaluated: 2018-01-13. Review status: criteria provided, single submitter. Criteria: ICSL Variant Classification Criteria 13 December 2019. Collection method: clinical testing. Allele origin: germline.

Center for Pediatric Genomic Medicine, Children's Mercy Hospital and Clinics
Classification: Uncertain significance. Last evaluated: 2017-05-19. Review status: criteria provided, single submitter. Criteria: ACMG Guidelines, 2015. Collection method: clinical testing. Allele origin: germline.

NM_032193.4(RNASEH2C):c.268A>G (p.Lys90Glu)

Gene: RNASEH2C (ribonuclease H2 subunit C; minus strand). Cytogenetic location: 11q13.1.
Variant type: single nucleotide variant.
Coding change: c.268A>G on transcript NM_032193.4 (MANE Select); coding-DNA position 268, A replaced by G.
Protein change: p.Lys90Glu; replaces lysine 90 with glutamic acid.
Molecular consequence: missense variant.
Genome position (GRCh38, 1-based): chr11:65,720,322, T>C on the plus strand (A>G on the coding strand, the complement: RNASEH2C is on the minus strand). VCF-style: chr11-65720322-T-C. GRCh37 (hg19) VCF-style: chr11-65487793-T-C.
Other names: short protein forms K90E.
Identifiers: ClinVar variation 305364 (VCV000305364.7), dbSNP rs200659526, ClinGen allele CA6107755.